The following is an entry in ClinVar:

ClinVar aggregate classification (germline): Uncertain significance (1 of 4 stars; one submission).

Conditions:
Kleefstra syndrome 2 (KLEFS2). Identifiers: MedGen C4540395, MONDO:0054701, OMIM 617768.

Allele frequency attached by ClinVar (database versions not stated): gnomAD exomes below 0.00001.
gnomAD v4.1: 2 of 1,614,172 alleles (0.00012%); highest among the groups gnomAD compares: Non-Finnish European, 0.00017%; no homozygotes.

Submission:

Victorian Clinical Genetics Services, Murdoch Childrens Research Institute
Classification: Uncertain significance for Kleefstra syndrome 2. Last evaluated: 2021-05-06. Review status: criteria provided, single submitter. Criteria: ACMG Guidelines, 2015. Collection method: clinical testing. Allele origin: germline. Inheritance: Autosomal dominant inheritance. Affected: yes.
Comment: Based on the classification scheme VCGS_Germline_v1.3.4, this variant is classified as VUS-3C. Following criteria are met: 0102 - Loss of function is a known mechanism of disease in this gene and is associated with Kleefstra syndrome 2 (MIM#617768). (I) 0107 - This gene is associated with autosomal dominant disease. (I) 0200 - Variant is predicted to result in a missense amino acid change from threonine to alanine. (I) 0251 - This variant is heterozygous. (I) 0301 - Variant is absent from gnomAD (both v2 and v3). (SP) 0309 - Alternative amino acid changes at the same position have been observed in gnomAD (v2) (6 heterozygotes, 0 homozygotes). (I) 0503 - Missense variant consistently predicted to be tolerated by multiple in silico tools or not conserved in placental mammals with a minor amino acid change. (SB) 0604 - Variant is not located in an established domain, motif, hotspot or informative constraint region. (I) 0705 - No comparable missense variants have previous evidence for pathogenicity. (I) 0807 - This variant has no previous evidence of pathogenicity. (I) 0905 - No published segregation evidence has been identified for this variant. (I) 1007 - No published functional evidence has been identified for this variant. (I) 1208 - Inheritance information for this variant is not currently available in this individual. (I) Legend: (SP) - Supporting pathogenic, (I) - Information, (SB) - Supporting benign

NM_170606.3(KMT2C):c.8011A>G (p.Thr2671Ala)

Gene: KMT2C (lysine methyltransferase 2C; minus strand). Cytogenetic location: 7q36.1.
Variant type: single nucleotide variant.
Coding change: c.8011A>G on transcript NM_170606.3 (MANE Select); coding-DNA position 8011, A replaced by G.
Protein change: p.Thr2671Ala; replaces threonine 2671 with alanine.
Molecular consequence: missense variant.
Genome position (GRCh38, 1-based): chr7:152,177,442, T>C on the plus strand (A>G on the coding strand, the complement: KMT2C is on the minus strand). VCF-style: chr7-152177442-T-C. GRCh37 (hg19) VCF-style: chr7-151874527-T-C.
Other names: short protein forms T2671A.
Identifiers: ClinVar variation 1804943 (VCV001804943.1), dbSNP rs2129114817, ClinGen allele CA370083713.